The following is an entry in ClinVar:

ClinVar aggregate classification (germline): Uncertain significance (1 of 4 stars; one submission).

Submission:

Labcorp Genetics (formerly Invitae), Labcorp
Classification: Uncertain significance. Last evaluated: 2018-11-05. Review status: criteria provided, single submitter. Criteria: Invitae Variant Classification Sherloc (09022015). Collection method: clinical testing. Allele origin: germline.
Comment: In summary, the available evidence is currently insufficient to determine the role of this variant in disease. Therefore, it has been classified as a Variant of Uncertain Significance. Algorithms developed to predict the effect of missense changes on protein structure and function are either unavailable or do not agree on the potential impact of this missense change (SIFT: "Deleterious"; PolyPhen-2: "Benign"; Align-GVGD: "Class C0"). This variant has not been reported in the literature in individuals with CTNNA1-related disease. This variant is not present in population databases (ExAC no frequency). This sequence change replaces aspartic acid with valine at codon 77 of the CTNNA1 protein (p.Asp77Val). The aspartic acid residue is highly conserved and there is a large physicochemical difference between aspartic acid and valine.

NM_001903.5(CTNNA1):c.230A>T (p.Asp77Val)

Gene: CTNNA1 (catenin alpha 1; plus strand). Cytogenetic location: 5q31.2.
Variant type: single nucleotide variant.
Coding change: c.230A>T on transcript NM_001903.5 (MANE Select); coding-DNA position 230, A replaced by T.
Protein change: p.Asp77Val; replaces aspartic acid 77 with valine.
Molecular consequence: missense variant. On other transcripts: intron variant (2).
Genome position (GRCh38, 1-based): chr5:138,783,301, A>T. VCF-style: chr5-138783301-A-T. GRCh37 (hg19) VCF-style: chr5-138118990-A-T.
Other names: c.230A>T, p.Asp77Val (NM_001290307.3, NM_001323982.2, NM_001323983.1 and 3 more transcripts); c.-6+29A>T (NM_001290310.3); c.-9+1272A>T (NM_001290309.3); short protein forms D77V.
Identifiers: ClinVar variation 645963 (VCV000645963.8), dbSNP rs1580984472, ClinGen allele CA361477542.